The following is an entry in ClinVar:

NM_003038.5(SLC1A4):c.434C>T (p.Ala145Val)

Gene: SLC1A4 (solute carrier family 1 member 4; plus strand). Cytogenetic location: 2p14.
Variant type: single nucleotide variant.
Coding change: c.434C>T on transcript NM_003038.5 (MANE Select); coding-DNA position 434, C replaced by T.
Protein change: p.Ala145Val; replaces alanine 145 with valine.
Molecular consequence: missense variant. On other transcripts: intron variant (3).
Genome position (GRCh38, 1-based): chr2:64,990,077, C>T. VCF-style: chr2-64990077-C-T. GRCh37 (hg19) VCF-style: chr2-65217211-C-T.
Other names: c.-134+1457C>T (NM_001348406.2, NM_001193493.2); c.-134+1523C>T (NM_001348407.2); short protein forms A145V.
Identifiers: ClinVar variation 1380787 (VCV001380787.6), dbSNP rs1339727721, ClinGen allele CA347078867.

ClinVar aggregate classification (germline): Uncertain significance (1 of 4 stars; one submission).

Allele frequency attached by ClinVar (database versions not stated): gnomAD exomes 0.00001 and 0.00002.
gnomAD v4.1: 3 of 1,608,764 alleles (0.00019%); highest among the groups gnomAD compares: Admixed American, 0.005%; no homozygotes.

Submission:

Labcorp Genetics (formerly Invitae), Labcorp
Classification: Uncertain significance. Last evaluated: 2024-02-24. Review status: criteria provided, single submitter. Criteria: Invitae Variant Classification Sherloc (09022015). Collection method: clinical testing. Allele origin: germline.
Comment: This sequence change replaces alanine, which is neutral and non-polar, with valine, which is neutral and non-polar, at codon 145 of the SLC1A4 protein (p.Ala145Val). The frequency data for this variant in the population databases is considered unreliable, as metrics indicate poor data quality at this position in the gnomAD database. This variant has not been reported in the literature in individuals affected with SLC1A4-related conditions. ClinVar contains an entry for this variant (Variation ID: 1380787). Advanced modeling of protein sequence and biophysical properties (such as structural, functional, and spatial information, amino acid conservation, physicochemical variation, residue mobility, and thermodynamic stability) performed at Invitae indicates that this missense variant is not expected to disrupt SLC1A4 protein function with a negative predictive value of 80%. In summary, the available evidence is currently insufficient to determine the role of this variant in disease. Therefore, it has been classified as a Variant of Uncertain Significance.